The following is an entry in ClinVar:

NM_001384474.1(LOXHD1):c.100G>T (p.Glu34Ter)

Gene: LOXHD1 (lipoxygenase homology PLAT domains 1; minus strand). Cytogenetic location: 18q21.1.
Variant type: single nucleotide variant.
Coding change: c.100G>T on transcript NM_001384474.1 (MANE Select); coding-DNA position 100, G replaced by T.
Protein change: p.Glu34Ter; replaces glutamic acid 34 with a stop codon.
Molecular consequence: nonsense.
Genome position (GRCh38, 1-based): chr18:46,656,934, C>A on the plus strand (G>T on the coding strand, the complement: LOXHD1 is on the minus strand). VCF-style: chr18-46656934-C-A. GRCh37 (hg19) VCF-style: chr18-44236897-C-A.
Other names: c.100G>T, p.Glu34Ter (NM_144612.7); short protein forms E34*.
Identifiers: ClinVar variation 2107266 (VCV002107266.4), dbSNP rs1319555177, ClinGen allele CA402374352.

ClinVar aggregate classification (germline): Pathogenic (1 of 4 stars; one submission).

Submission:

Labcorp Genetics (formerly Invitae), Labcorp
Classification: Pathogenic. Last evaluated: 2022-10-13. Review status: criteria provided, single submitter. Criteria: Invitae Variant Classification Sherloc (09022015). Collection method: clinical testing. Allele origin: germline.
Comment: This sequence change creates a premature translational stop signal (p.Glu34*) in the LOXHD1 gene. It is expected to result in an absent or disrupted protein product. Loss-of-function variants in LOXHD1 are known to be pathogenic (PMID: 19732867, 21465660, 25792669). For these reasons, this variant has been classified as Pathogenic. This variant has not been reported in the literature in individuals affected with LOXHD1-related conditions. This variant is not present in population databases (gnomAD no frequency).

Literature cited by the submitters: PubMed 19732867; PubMed 21465660; PubMed 25792669.